The following is an entry in ClinVar:

ClinVar aggregate classification (germline): Likely pathogenic. Review status: criteria provided, single submitter (1 of 4 stars). 3 submissions from 3 submitters: Likely pathogenic (1). 2 of the submissions do not count toward it. Last evaluated 2019-02-19.

Conditions:
Snijders Blok-Campeau syndrome. Also called: INTELLECTUAL DEVELOPMENTAL DISORDER WITH MACROCEPHALY, SPEECH DELAY, AND DYSMORPHIC FACIES. Identifiers: Orphanet 599082, MedGen C4748701, MONDO:0032600, OMIM 618205.
Neurodevelopmental abnormality. Identifiers: MedGen C4022737, HP:0012759.
Intellectual disability. Also called: Intellectual functioning disability; intellectual disabilities; Intellectual developmental disorder. Identifiers: MedGen C3714756, MeSH D008607, MONDO:0001071, HP:0001249.

Submissions (3):

SIB Swiss Institute of Bioinformatics
Classification: Likely pathogenic for Snijders Blok-Campeau syndrome. Last evaluated: 2019-02-19. Review status: criteria provided, single submitter. Criteria: ACMG Guidelines, 2015. Collection method: curation. Allele origin: unknown.
Comment: This variant is interpreted as a Likely pathogenic for Snijders Blok-Campeau syndrome, autosomal dominant The following ACMG Tag(s) were applied: PM2 : Absent from controls (or at extremely low frequency if recessive) in Exome Sequencing Project, 1000 Genomes Project, or Exome Aggregation Consortium. PP3 : Multiple lines of computational evidence support a deleterious effect on the gene or gene product. PM6 : Assumed de novo, but without confirmation of paternity and maternity (PMID:30397230). PM1-supporting : PM1 downgraded in strength to Supporting. PP2 : Missense variant in a gene that has a low rate of benign missense variation and in which missense variants are a common mechanism of disease.

Department of Genetics, Rouen University Hospital, Normandy Center for Genomic and Personalized Medicine
Classification: Pathogenic for Neurodevelopmental abnormality. Last evaluated: 2020-04-03. Review status: no assertion criteria provided. Collection method: clinical testing. Allele origin: de novo. Affected: yes. Not counted in ClinVar's aggregate classification.

CHU Sainte-Justine Research Center, University of Montreal
Classification: Likely pathogenic for Intellectual disability. Last evaluated: 2018-05-03. Review status: no assertion criteria provided. Collection method: research. Allele origin: germline. Affected: yes. Not counted in ClinVar's aggregate classification.

Literature cited by the submitters: PubMed 30397230 (cited by SIB Swiss Institute of Bioinformatics).

NM_001005273.3(CHD3):c.2657A>G (p.His886Arg)

Gene: CHD3 (chromodomain helicase DNA binding protein 3; plus strand). Cytogenetic location: 17p13.1.
Variant type: single nucleotide variant.
Coding change: c.2657A>G on transcript NM_001005273.3 (MANE Select); coding-DNA position 2657, A replaced by G.
Protein change: p.His886Arg; replaces histidine 886 with arginine.
Molecular consequence: missense variant.
Genome position (GRCh38, 1-based): chr17:7,900,008, A>G. VCF-style: chr17-7900008-A-G. GRCh37 (hg19) VCF-style: chr17-7803326-A-G.
Other names: c.2834A>G, p.His945Arg (NM_001005271.3); c.2657A>G, p.His886Arg (NM_005852.4); short protein forms H886R, H945R.
Identifiers: ClinVar variation 549729 (VCV000549729.4), dbSNP rs1567855081, ClinGen allele CA397940017.